The following is an entry in ClinVar:

NM_001042492.3(NF1):c.5999T>C (p.Leu2000Pro)

Gene: NF1 (neurofibromin 1; plus strand). Cytogenetic location: 17q11.2.
Variant type: single nucleotide variant.
Coding change: c.5999T>C on transcript NM_001042492.3 (MANE Select); coding-DNA position 5999, T replaced by C.
Protein change: p.Leu2000Pro; replaces leucine 2000 with proline.
Molecular consequence: missense variant.
Genome position (GRCh38, 1-based): chr17:31,335,024, T>C. VCF-style: chr17-31335024-T-C. GRCh37 (hg19) VCF-style: chr17-29662042-T-C.
Other names: c.5936T>C, p.Leu1979Pro (NM_000267.4); short protein forms L2000P, L1979P.
Identifiers: ClinVar variation 848044 (VCV000848044.8), dbSNP rs2069608977, ClinGen allele CA399010968.
Genomic context (GRCh38, chr17:31,335,024, plus strand): 5'-CAATGACCATCAATGAAAAACAGATGTACCCATCTATTCAAGCAAAAATATGGGGAAGCC[T>C]TGGGCAGGTATTGAGTTTGCTCAAATATTTATCTAGTATCTCCTTTGTGCACATATTTAT-3'
Protein context (NP_001035957.1, residues 1990-2010): PSIQAKIWGS[Leu2000Pro]GQITDLLDVV

ClinVar aggregate classification (germline): Uncertain significance (1 of 4 stars; one submission).

Conditions:
Neurofibromatosis, type 1 (NF1). Also called: Neurofibromatosis, type I; VON RECKLINGHAUSEN DISEASE; Peripheral type neurofibromatosis; NEUROFIBROMATOSIS, TYPE I, SOMATIC. Identifiers: Orphanet 636, MedGen C0027831, MONDO:0018975, OMIM 162200. Disease mechanism: loss of function.

Submission:

Labcorp Genetics (formerly Invitae), Labcorp
Classification: Uncertain significance for Neurofibromatosis, type 1. Last evaluated: 2019-12-16. Review status: criteria provided, single submitter. Criteria: Invitae Variant Classification Sherloc (09022015). Collection method: clinical testing. Allele origin: germline.
Comment: In summary, the available evidence is currently insufficient to determine the role of this variant in disease. Therefore, it has been classified as a Variant of Uncertain Significance. Algorithms developed to predict the effect of missense changes on protein structure and function are either unavailable or do not agree on the potential impact of this missense change (SIFT: "Deleterious"; PolyPhen-2: "Probably Damaging"; Align-GVGD: "Class C0"). This variant has not been reported in the literature in individuals with NF1-related conditions. This variant is not present in population databases (ExAC no frequency). This sequence change replaces leucine with proline at codon 1979 of the NF1 protein (p.Leu1979Pro). The leucine residue is moderately conserved and there is a moderate physicochemical difference between leucine and proline.